The following is an entry in ClinVar:

NM_000321.3(RB1):c.2720C>T (p.Thr907Ile)

Gene: RB1 (RB transcriptional corepressor 1; plus strand). Cytogenetic location: 13q14.2.
Variant type: single nucleotide variant.
Coding change: c.2720C>T on transcript NM_000321.3 (MANE Select); coding-DNA position 2720, C replaced by T.
Protein change: p.Thr907Ile; replaces threonine 907 with isoleucine.
Molecular consequence: missense variant. On other transcripts: synonymous variant (1).
Genome position (GRCh38, 1-based): chr13:48,480,004, C>T. VCF-style: chr13-48480004-C-T. GRCh37 (hg19) VCF-style: chr13-49054140-C-T.
Other names: c.2739C>T, p.Tyr913= (NM_001407165.1); c.170C>T, p.Thr57Ile (NM_001407168.1); short protein forms T57I, T907I.
Identifiers: ClinVar variation 2590292 (VCV002590292.2), dbSNP rs2138364355, ClinGen allele CA388158202.

ClinVar aggregate classification (germline): Uncertain significance (1 of 4 stars; one submission).

Conditions:
Hereditary cancer-predisposing syndrome. Also called: Tumor predisposition; Hereditary Cancer Syndrome; Hereditary neoplastic syndrome; Neoplastic Syndromes, Hereditary. Identifiers: Orphanet 140162, MedGen C0027672, MeSH D009386, MONDO:0015356.

Allele frequency attached by ClinVar (database versions not stated): gnomAD exomes below 0.00001.
gnomAD v4.1: 1 of 1,612,920 alleles (0.000062%); highest among the groups gnomAD compares: Non-Finnish European, 0.000085%; no homozygotes.

Submission:

Ambry Genetics
Classification: Uncertain significance for Hereditary cancer-predisposing syndrome. Last evaluated: 2023-08-04. Review status: criteria provided, single submitter. Criteria: Ambry Variant Classification Scheme 2023. Collection method: clinical testing. Allele origin: germline.
Comment: The p.T907I variant (also known as c.2720C>T), located in coding exon 27 of the RB1 gene, results from a C to T substitution at nucleotide position 2720. The threonine at codon 907 is replaced by isoleucine, an amino acid with similar properties. This amino acid position is conserved. In addition, this alteration is predicted to be deleterious by in silico analysis. Since supporting evidence is limited at this time, the clinical significance of this alteration remains unclear.